The following is an entry in ClinVar:

ClinVar aggregate classification (germline): Benign. Review status: reviewed by expert panel (3 of 4 stars). 8 submissions from 8 submitters: Benign (1). 7 of the submissions do not count toward it. Last evaluated 2019-11-04.

Conditions:
RAF1-related disorder. Also called: RAF1-related condition; RAF1-related disorders.
Cardiovascular phenotype. Identifiers: MedGen CN230736.
RASopathy. Also called: Noonan spectrum disorder; rasopathies. Identifiers: Orphanet 536391, MedGen C5555857, MONDO:0021060.

Allele frequency attached by ClinVar (database versions not stated): gnomAD 0.00002 and 0.00003; ExAC 0.00003; gnomAD exomes 0.00006 and 0.00011; TOPMed 0.00006.
gnomAD v4.1: 42 of 1,614,152 alleles (0.0026%); highest among the groups gnomAD compares: Admixed American, 0.065%; no homozygotes.

Submissions (8):

ClinGen RASopathy Variant Curation Expert Panel
Classification: Benign for RASopathy. Last evaluated: 2019-11-04. Review status: reviewed by expert panel. Criteria: ClinGen RASopathy ACMG Specifications v1. Collection method: curation. Allele origin: germline. Inheritance: Autosomal dominant inheritance.
Comment: The c.639T>C (p.Thr213Thr) variant in RAF1 is classified as benign because it has been identified in 0.05616% (lower bound of the 95% CI of 28/35434) of Latino alleles in gnomAD (BA1). It was observed in an individual with an alternate molecular basis for disease (BP5; SCV000061357.6). It does not alter an amino acid residue, is not located within the splice consensus site, and computational splice prediction tools do not predict an impact to splicing (BP4, BP7). ACMG/AMP Criteria applied: BA1, BP4, BP5, BP7.

Labcorp Genetics (formerly Invitae), Labcorp
Classification: Likely benign for RASopathy. Last evaluated: 2026-01-26. Review status: criteria provided, single submitter. Criteria: Invitae Variant Classification Sherloc (09022015). Collection method: clinical testing. Allele origin: germline. Not counted in ClinVar's aggregate classification.

Women's Health and Genetics/Laboratory Corporation of America, LabCorp
Classification: Benign. Last evaluated: 2018-04-02. Review status: criteria provided, single submitter. Criteria: LabCorp Variant Classification Summary - May 2015. Collection method: clinical testing. Allele origin: germline. Not counted in ClinVar's aggregate classification.
Comment: Variant summary: RAF1 c.639T>C alters a non-conserved nucleotide resulting in a synonymous change. 5/5 computational tools predict no significant impact on normal splicing. However, these predictions have yet to be confirmed by functional studies. The variant was observed with an allele frequency of 0.0001 in 246250 control chromosomes (gnomAD). The observed variant frequency within Latino control individuals in the gnomAD database is approximately 28-fold higher than the estimated maximal expected allele frequency for a pathogenic variant in RAF1 causing Noonan Syndrome and Related Conditions phenotype (2.5e-05), strongly suggesting that the variant is a benign polymorphism found primarily in populations of Latino origin. To our knowledge, no occurrence of c.639T>C in individuals affected with Noonan Syndrome and Related Conditions and no experimental evidence demonstrating its impact on protein function have been reported. A ClinVar submssion from a clinical diagnostic laboratory (evaluation after 2014) cites the variant as "likely benign." Based on the evidence outlined above, the variant was classified as benign.

Eurofins Ntd Llc (ga)
Classification: Uncertain significance. Last evaluated: 2017-07-18. Review status: criteria provided, single submitter. Criteria: EGL Classification Definitions 2015. Collection method: clinical testing. Allele origin: germline. Observed: 1 variant allele, 1 heterozygote. Not counted in ClinVar's aggregate classification.

Ambry Genetics
Classification: Likely benign for Cardiovascular phenotype. Last evaluated: 2017-05-05. Review status: criteria provided, single submitter. Criteria: Ambry Variant Classification Scheme 2023. Collection method: clinical testing. Allele origin: germline. Not counted in ClinVar's aggregate classification.

GeneDx
Classification: Benign. Last evaluated: 2015-03-03. Review status: criteria provided, single submitter. Criteria: GeneDx Variant Classification Process June 2021. Collection method: clinical testing. Allele origin: germline. Affected: yes. Not counted in ClinVar's aggregate classification.

Laboratory for Molecular Medicine, Mass General Brigham Personalized Medicine
Classification: Likely benign. Last evaluated: 2012-02-15. Review status: criteria provided, single submitter. Criteria: LMM Criteria. Collection method: clinical testing. Allele origin: germline. Observed: 1 variant allele. Not counted in ClinVar's aggregate classification.
Comment: Thr213Thr in exon 6 of RAF1: This variant is not expected to have clinical signi ficance because it does not alter an amino acid residue and it is not located wi thin the splice consensus sequence.

PreventionGenetics, part of Exact Sciences
Classification: Likely benign for RAF1-related condition. Last evaluated: 2023-03-14. Review status: no assertion criteria provided. Collection method: clinical testing. Allele origin: germline. Not counted in ClinVar's aggregate classification.
Comment: This variant is classified as likely benign based on ACMG/AMP sequence variant interpretation guidelines (Richards et al. 2015 PMID: 25741868, with internal and published modifications).

NM_002880.4(RAF1):c.639T>C (p.Thr213=)

Gene: RAF1 (Raf-1 proto-oncogene, serine/threonine kinase; minus strand). Cytogenetic location: 3p25.2.
Variant type: single nucleotide variant.
Coding change: c.639T>C on transcript NM_002880.4 (MANE Select); coding-DNA position 639, T replaced by C.
Protein change: p.Thr213=; no amino-acid change (threonine 213 retained).
Molecular consequence: synonymous variant. On other transcripts: non-coding transcript variant (3), intron variant (2).
Genome position (GRCh38, 1-based): chr3:12,606,242, A>G on the plus strand (T>C on the coding strand, the complement: RAF1 is on the minus strand). VCF-style: chr3-12606242-A-G. GRCh37 (hg19) VCF-style: chr3-12647741-A-G.
Other names: c.639T>C (NM_002880.3); c.639T>C, p.Thr213= (NM_001354689.3, NM_001354690.3); c.396T>C, p.Thr132= (NM_001354691.3, NM_001354692.3, NM_001354694.3); c.339-1953T>C (NM_001354695.3); c.582-1953T>C (NM_001354693.3).
Identifiers: ClinVar variation 44629 (VCV000044629.31), dbSNP rs397516823, ClinGen allele CA134743.